The following is an entry in ClinVar:

ClinVar aggregate classification (germline): Uncertain significance (1 of 4 stars; one submission).

Submission:

Labcorp Genetics (formerly Invitae), Labcorp
Classification: Uncertain significance. Last evaluated: 2025-10-19. Review status: criteria provided, single submitter. Criteria: Invitae Variant Classification Sherloc (09022015). Collection method: clinical testing. Allele origin: germline.
Comment: This sequence change replaces alanine, which is neutral and non-polar, with valine, which is neutral and non-polar, at codon 324 of the GATA5 protein (p.Ala324Val). This variant is not present in population databases (gnomAD no frequency). This variant has not been reported in the literature in individuals affected with GATA5-related conditions. Invitae Evidence Modeling of protein sequence and biophysical properties (such as structural, functional, and spatial information, amino acid conservation, physicochemical variation, residue mobility, and thermodynamic stability) indicates that this missense variant is not expected to disrupt GATA5 protein function with a negative predictive value of 80%. In summary, the available evidence is currently insufficient to determine the role of this variant in disease. Therefore, it has been classified as a Variant of Uncertain Significance.

NM_080473.5(GATA5):c.971C>T (p.Ala324Val)

Gene: GATA5 (GATA binding protein 5; minus strand). Cytogenetic location: 20q13.33.
Variant type: single nucleotide variant.
Coding change: c.971C>T on transcript NM_080473.5 (MANE Select); coding-DNA position 971, C replaced by T.
Protein change: p.Ala324Val; replaces alanine 324 with valine.
Molecular consequence: missense variant.
Genome position (GRCh38, 1-based): chr20:62,465,407, G>A on the plus strand (C>T on the coding strand, the complement: GATA5 is on the minus strand). VCF-style: chr20-62465407-G-A. GRCh37 (hg19) VCF-style: chr20-61040463-G-A.
Other names: short protein forms A324V.
Identifiers: ClinVar variation 4772473 (VCV004772473.1).